The following is an entry in ClinVar:

NM_001009944.3(PKD1):c.11799C>T (p.Leu3933=)

Gene: PKD1 (polycystin 1, transient receptor potential channel interacting; minus strand). Cytogenetic location: 16p13.3.
Variant type: single nucleotide variant.
Coding change: c.11799C>T on transcript NM_001009944.3 (MANE Select); coding-DNA position 11799, C replaced by T.
Protein change: p.Leu3933=; no amino-acid change (leucine 3933 retained).
Molecular consequence: synonymous variant.
Genome position (GRCh38, 1-based): chr16:2,091,088, G>A on the plus strand (C>T on the coding strand, the complement: PKD1 is on the minus strand). VCF-style: chr16-2091088-G-A. GRCh37 (hg19) VCF-style: chr16-2141089-G-A.
Other names: c.11796C>T, p.Leu3932= (NM_000296.4).
Identifiers: ClinVar variation 2645981 (VCV002645981.26), dbSNP rs900006933, ClinGen allele CA276765011.

ClinVar aggregate classification (germline): Likely benign. Review status: criteria provided, multiple submitters, no conflicts (2 of 4 stars). 3 submissions from 3 submitters: Likely benign (3). Last evaluated 2026-02-04.

Allele frequency attached by ClinVar (database versions not stated): gnomAD 0.00017.
gnomAD v4.1: 468 of 1,506,418 alleles (0.031%); highest among the groups gnomAD compares: Non-Finnish European, 0.037%; no homozygotes.

Submissions (3):

Women's Health and Genetics/Laboratory Corporation of America, LabCorp
Classification: Likely benign. Last evaluated: 2026-02-04. Review status: criteria provided, single submitter. Criteria: LabCorp Variant Classification Summary - May 2015. Collection method: clinical testing. Allele origin: germline.

Blueprint Genetics
Classification: Likely benign. Last evaluated: 2024-10-08. Review status: criteria provided, single submitter. Criteria: ACMG Guidelines, 2015. Collection method: clinical testing. Allele origin: germline.

CeGaT Center for Human Genetics Tuebingen
Classification: Likely benign. Last evaluated: 2024-07-01. Review status: criteria provided, single submitter. Criteria: CeGaT Center For Human Genetics Tuebingen Variant Classification Criteria Version 2. Collection method: clinical testing. Allele origin: germline. Affected: yes. Observed: 2 variant alleles.
Comment: PKD1: BP4, BP7